The following is an entry in ClinVar:

NM_004370.6(COL12A1):c.8434G>A (p.Gly2812Ser)

Gene: COL12A1 (collagen type XII alpha 1 chain; minus strand). Cytogenetic location: 6q13.
Variant type: single nucleotide variant.
Coding change: c.8434G>A on transcript NM_004370.6 (MANE Select); coding-DNA position 8434, G replaced by A.
Protein change: p.Gly2812Ser; replaces glycine 2812 with serine.
Molecular consequence: missense variant.
Genome position (GRCh38, 1-based): chr6:75,102,034, C>T on the plus strand (G>A on the coding strand, the complement: COL12A1 is on the minus strand). VCF-style: chr6-75102034-C-T. GRCh37 (hg19) VCF-style: chr6-75811750-C-T.
Other names: c.8434G>A, p.Gly2812Ser (NM_001424113.1); c.8413G>A, p.Gly2805Ser (NM_001424114.1); c.8161G>A, p.Gly2721Ser (NM_001424115.1); c.4942G>A, p.Gly1648Ser (NM_001424116.1, NM_080645.3); short protein forms G1648S, G2721S, G2805S, G2812S.
Identifiers: ClinVar variation 2954055 (VCV002954055.3), dbSNP rs2533099106, ClinGen allele CA364739295.
Genomic context (GRCh38, chr6:75,102,034, plus strand): 5'-CAGGGCAACTTAGAGACCAACTCACTGTTCGGCCTGGAAGTCCTGGCTCTCCAGCATCAC[C>T]TTTCATCCCTTGGCGACCCTAGAGTGAGCAATGGGAAAACAGTTCTCAGGCGTTTCACAG-3'
Protein context (NP_004361.3, residues 2802-2822): PGEQGRQGMK[Gly2812Ser]DAGEPGLPGR

ClinVar aggregate classification (germline): Uncertain significance (1 of 4 stars; one submission).

Conditions:
Ullrich congenital muscular dystrophy 2 (UCMD2). Identifiers: Orphanet 75840, MedGen C4225314, MONDO:0014654, OMIM 616470.
Bethlem myopathy 2 (BTHLM2). Identifiers: Orphanet 536516, Orphanet 610, MedGen C4225313, MONDO:0034022, OMIM 616471.

Submission:

Labcorp Genetics (formerly Invitae), Labcorp
Classification: Uncertain significance for Bethlem myopathy 2; Ullrich congenital muscular dystrophy 2. Last evaluated: 2024-07-01. Review status: criteria provided, single submitter. Criteria: Invitae Variant Classification Sherloc (09022015). Collection method: clinical testing. Allele origin: germline.
Comment: This sequence change replaces glycine, which is neutral and non-polar, with serine, which is neutral and polar, at codon 2812 of the COL12A1 protein (p.Gly2812Ser). This variant is not present in population databases (gnomAD no frequency). This variant has not been reported in the literature in individuals affected with COL12A1-related conditions. An algorithm developed to predict the effect of missense changes on protein structure and function (PolyPhen-2) suggests that this variant is likely to be disruptive. In summary, the available evidence is currently insufficient to determine the role of this variant in disease. Therefore, it has been classified as a Variant of Uncertain Significance.